The following is an entry in ClinVar:

ClinVar aggregate classification (germline): Uncertain significance (1 of 4 stars; one submission).

gnomAD v4.1: 5 of 1,610,310 alleles (0.00031%); highest among the groups gnomAD compares: Non-Finnish European, 0.00042%; no homozygotes.

Submission:

Labcorp Genetics (formerly Invitae), Labcorp
Classification: Uncertain significance. Last evaluated: 2025-02-27. Review status: criteria provided, single submitter. Criteria: Invitae Variant Classification Sherloc (09022015). Collection method: clinical testing. Allele origin: germline.
Comment: This sequence change falls in intron 2 of the POLD2 gene. It does not directly change the encoded amino acid sequence of the POLD2 protein. It affects a nucleotide within the consensus splice site. This variant is not present in population databases (gnomAD no frequency). This variant has not been reported in the literature in individuals affected with POLD2-related conditions. Variants that disrupt the consensus splice site are a relatively common cause of aberrant splicing (PMID: 17576681, 9536098). Algorithms developed to predict the effect of sequence changes on RNA splicing suggest that this variant is not likely to affect RNA splicing. In summary, the available evidence is currently insufficient to determine the role of this variant in disease. Therefore, it has been classified as a Variant of Uncertain Significance.

Literature cited by the submitters: PubMed 17576681; PubMed 9536098.

NM_006230.4(POLD2):c.220+5G>A

Gene: POLD2 (DNA polymerase delta 2, accessory subunit; minus strand). Cytogenetic location: 7p13.
Variant type: single nucleotide variant.
Coding change: c.220+5G>A on transcript NM_006230.4 (MANE Select); 5 bases into the intron after coding-DNA position 220, G replaced by A.
Molecular consequence: intron variant.
Genome position (GRCh38, 1-based): chr7:44,121,829, C>T on the plus strand (G>A on the coding strand, the complement: POLD2 is on the minus strand). VCF-style: chr7-44121829-C-T. GRCh37 (hg19) VCF-style: chr7-44161428-C-T.
Other names: c.220+5G>A (NM_001127218.3, NM_001256879.2).
Identifiers: ClinVar variation 4714083 (VCV004714083.1).